The following is an entry in ClinVar:

NM_000350.3(ABCA4):c.2948C>T (p.Thr983Ile)

Gene: ABCA4 (ATP binding cassette subfamily A member 4; minus strand). Cytogenetic location: 1p22.1.
Variant type: single nucleotide variant.
Coding change: c.2948C>T on transcript NM_000350.3 (MANE Select); coding-DNA position 2948, C replaced by T.
Protein change: p.Thr983Ile; replaces threonine 983 with isoleucine.
Molecular consequence: missense variant.
Genome position (GRCh38, 1-based): chr1:94,044,715, G>A on the plus strand (C>T on the coding strand, the complement: ABCA4 is on the minus strand). VCF-style: chr1-94044715-G-A. GRCh37 (hg19) VCF-style: chr1-94510271-G-A.
Other names: c.2726C>T, p.Thr909Ile (NM_001425324.1); short protein forms T983I, T909I.
Identifiers: ClinVar variation 99178 (VCV000099178.58), dbSNP rs61752411, ClinGen allele CA227057.

ClinVar aggregate classification (germline): Pathogenic/Likely pathogenic. Review status: criteria provided, multiple submitters, no conflicts (2 of 4 stars). 7 submissions from 7 submitters: Pathogenic (2); Likely pathogenic (4). 1 of the submissions does not count toward it. Last evaluated 2023-07-01.

Conditions:
ABCA4-related disorder. Also called: ABCA4-related condition; ABCA4-related disorders. Identifiers: MedGen CN239167.
Retinal dystrophy. Also called: Inherited retinal dystrophy. Identifiers: Orphanet 71862, MedGen C0854723, MeSH D058499, MONDO:0019118, HP:0000556.

Allele frequency attached by ClinVar (database versions not stated): gnomAD exomes below 0.00001.
gnomAD v4.1: 2 of 1,614,246 alleles (0.00012%); highest among the groups gnomAD compares: East Asian, 0.0022%; no homozygotes.

Submissions (7):

CeGaT Center for Human Genetics Tuebingen
Classification: Likely pathogenic. Last evaluated: 2023-07-01. Review status: criteria provided, single submitter. Criteria: CeGaT Center For Human Genetics Tuebingen Variant Classification Criteria Version 2. Collection method: clinical testing. Allele origin: germline. Affected: yes. Observed: 3 variant alleles.
Comment: ABCA4: PM1, PM3, PM2:Supporting, PM5:Supporting, PP4

Labcorp Genetics (formerly Invitae), Labcorp
Classification: Pathogenic. Last evaluated: 2022-03-22. Review status: criteria provided, single submitter. Criteria: Invitae Variant Classification Sherloc (09022015). Collection method: clinical testing. Allele origin: germline.
Comment: For these reasons, this variant has been classified as Pathogenic. This variant disrupts the p.Thr983 amino acid residue in ABCA4. Other variant(s) that disrupt this residue have been determined to be pathogenic (PMID: 25066811, 25444351, 29145636, 30029497). This suggests that this residue is clinically significant, and that variants that disrupt this residue are likely to be disease-causing. Advanced modeling of protein sequence and biophysical properties (such as structural, functional, and spatial information, amino acid conservation, physicochemical variation, residue mobility, and thermodynamic stability) performed at Invitae indicates that this missense variant is expected to disrupt ABCA4 protein function. ClinVar contains an entry for this variant (Variation ID: 99178). This missense change has been observed in individual(s) with Stargardt disease (PMID: 29555955, 29925512, 33301772). In at least one individual the data is consistent with being in trans (on the opposite chromosome) from a pathogenic variant. It has also been observed to segregate with disease in related individuals. This variant is not present in population databases (gnomAD no frequency). This sequence change replaces threonine, which is neutral and polar, with isoleucine, which is neutral and non-polar, at codon 983 of the ABCA4 protein (p.Thr983Ile).

Institute of Medical Genetics and Applied Genomics, University Hospital Tübingen
Classification: Likely pathogenic. Last evaluated: 2021-02-01. Review status: criteria provided, single submitter. Criteria: ACMG Guidelines, 2015. Collection method: clinical testing. Allele origin: germline. Inheritance: Autosomal recessive inheritance. Affected: yes.

Blueprint Genetics
Classification: Likely pathogenic for ABCA4-related disorders. Last evaluated: 2020-09-30. Review status: criteria provided, single submitter. Criteria: ACMG Guidelines, 2015. Collection method: clinical testing. Allele origin: germline. Affected: yes. Observed: 5 variant alleles.

Institute of Human Genetics, Univ. Regensburg, Univ. Regensburg
Classification: Likely pathogenic for Retinal dystrophy. Last evaluated: 2019-01-01. Review status: criteria provided, single submitter. Criteria: ACMG Guidelines, 2015. Collection method: clinical testing. Allele origin: germline. Affected: yes.

GeneDx
Classification: Pathogenic. Last evaluated: 2015-09-03. Review status: criteria provided, single submitter. Criteria: GeneDx Variant Classification (06012015). Collection method: clinical testing. Allele origin: germline. Affected: yes.
Comment: The T983I missense variant in the ABCA4 gene has been reported in the literature, however there is no clinical information about the phenotype associated with this variant (Jaakson et al., 2003). Another missense variant as the same codon (T983A) has also been reported in an individual diagnosed with an ABCA4-related disorder (Ernest et al., 2009). T983I was not observed in approximately 6,500 individuals of European and African American ancestry in the NHLBI Exome Sequencing Project, indicating it is not a common benign variant in these populations. Therefore, we interpret this variant to be pathogenic.

Retina International
No classification provided. Review status: no classification provided. Collection method: not provided. Allele origin: not provided. Not counted in ClinVar's aggregate classification.

Literature cited by the submitters: PubMed 25066811 (cited by Labcorp Genetics (formerly Invitae), Labcorp); PubMed 25444351 (cited by Labcorp Genetics (formerly Invitae), Labcorp); PubMed 29145636 (cited by Labcorp Genetics (formerly Invitae), Labcorp); PubMed 30029497 (cited by Labcorp Genetics (formerly Invitae), Labcorp); PubMed 29555955 (cited by Labcorp Genetics (formerly Invitae), Labcorp and Institute of Human Genetics, Univ. Regensburg, Univ. Regensburg); PubMed 29925512 (cited by Labcorp Genetics (formerly Invitae), Labcorp and Institute of Human Genetics, Univ. Regensburg, Univ. Regensburg); PubMed 33301772 (cited by Labcorp Genetics (formerly Invitae), Labcorp and Institute of Human Genetics, Univ. Regensburg, Univ. Regensburg); PubMed 14517951 (cited by Institute of Human Genetics, Univ. Regensburg, Univ. Regensburg); PubMed 32531858 (cited by Institute of Human Genetics, Univ. Regensburg, Univ. Regensburg).